The following is an entry in ClinVar:

NM_001184.4(ATR):c.5786G>C (p.Arg1929Thr)

Gene: ATR (ATR checkpoint kinase; minus strand). Cytogenetic location: 3q23.
Variant type: single nucleotide variant.
Coding change: c.5786G>C on transcript NM_001184.4 (MANE Select); coding-DNA position 5786, G replaced by C.
Protein change: p.Arg1929Thr; replaces arginine 1929 with threonine.
Molecular consequence: missense variant.
Genome position (GRCh38, 1-based): chr3:142,496,473, C>G on the plus strand (G>C on the coding strand, the complement: ATR is on the minus strand). VCF-style: chr3-142496473-C-G. GRCh37 (hg19) VCF-style: chr3-142215315-C-G.
Other names: c.5594G>C, p.Arg1865Thr (NM_001354579.2); short protein forms R1929T, R1865T.
Identifiers: ClinVar variation 2567807 (VCV002567807.2), dbSNP rs1387954667, ClinGen allele CA354813785.
Genomic context (GRCh38, chr3:142,496,473, plus strand): 5'-TCCCCTGCATTAAGGAGAGCATTGTAGGCTGTCTGGTGGTGACCAGCCTTTCTAGCTACC[C>G]TGGCACTCTGCAGCCAGCATTCTCCAACCATTTCATTGTAATCTGGTCTAAAGGAAGTAA-3'
Protein context (NP_001175.2, residues 1919-1939): MVGECWLQSA[Arg1929Thr]VARKAGHHQT

ClinVar aggregate classification (germline): Uncertain significance (1 of 4 stars; one submission).

Conditions:
Inborn genetic diseases. Identifiers: MedGen C0950123, MeSH D030342.

Allele frequency attached by ClinVar (database versions not stated): gnomAD exomes below 0.00001; gnomAD 0.00001.
gnomAD v4.1: 5 of 1,612,394 alleles (0.00031%); highest among the groups gnomAD compares: Non-Finnish European, 0.00042%; no homozygotes.

Submission:

Ambry Genetics
Classification: Uncertain significance for Inborn genetic diseases. Last evaluated: 2023-04-09. Review status: criteria provided, single submitter. Criteria: Ambry Variant Classification Scheme 2023. Collection method: clinical testing. Allele origin: germline.
Comment: The p.R1929T variant (also known as c.5786G>C), located in coding exon 34 of the ATR gene, results from a G to C substitution at nucleotide position 5786. The arginine at codon 1929 is replaced by threonine, an amino acid with similar properties. This amino acid position is conserved. In addition, this alteration is predicted to be deleterious by in silico analysis. Since supporting evidence is limited at this time, the clinical significance of this alteration remains unclear.